The following is an entry in ClinVar:

NM_001267550.2(TTN):c.105529G>A (p.Val35177Met)

Genes: TTN (titin; minus strand), TTN-AS1 (TTN antisense RNA 1; plus strand), LOC129935184 (ATAC-STARR-seq lymphoblastoid active region 16809; plus strand). Cytogenetic location: 2q31.2.
Variant type: single nucleotide variant.
Coding change: c.105529G>A on transcript NM_001267550.2 (MANE Select); coding-DNA position 105529, G replaced by A.
Protein change: p.Val35177Met; replaces valine 35177 with methionine.
Molecular consequence: missense variant.
Genome position (GRCh38, 1-based): chr2:178,531,086, C>T on the plus strand (G>A on the coding strand, the complement: TTN is on the minus strand). VCF-style: chr2-178531086-C-T. GRCh37 (hg19) VCF-style: chr2-179395813-C-T.
Other names: p.V33536M:GTG>ATG; c.100606G>A, p.Val33536Met (NM_001256850.1); c.78334G>A, p.Val26112Met (NM_003319.4); c.97825G>A, p.Val32609Met (NM_133378.4); c.78709G>A, p.Val26237Met (NM_133432.3); c.78910G>A, p.Val26304Met (NM_133437.4); short protein forms V35177M, V32609M, V33536M, V26237M, V26304M, V26112M.
Identifiers: ClinVar variation 47693 (VCV000047693.46), dbSNP rs55865284, ClinGen allele CA284333.

ClinVar aggregate classification (germline): Benign/Likely benign. Review status: criteria provided, multiple submitters, no conflicts (2 of 4 stars). 28 submissions from 21 submitters: Benign (15); Likely benign (8). 5 of the submissions do not count toward it. Last evaluated 2026-02-03.

Conditions:
Cardiovascular phenotype. Identifiers: MedGen CN230736.
Dilated cardiomyopathy 1G (CMD1G). Identifiers: Orphanet 154, MedGen C1858763, MONDO:0011400, OMIM 604145.
Autosomal recessive limb-girdle muscular dystrophy type 2J (LGMDR10). Also called: MUSCULAR DYSTROPHY, LIMB-GIRDLE, AUTOSOMAL RECESSIVE 10; Limb-girdle muscular dystrophy, type 2J. Identifiers: Orphanet 140922, MedGen C1837342, MONDO:0012127, OMIM 608807.
Cardiomyopathy (CMYO). Also called: Cardiomyopathies. Identifiers: Orphanet 167848, MedGen C0878544, MONDO:0004994, HP:0001638. Inheritance: Various modes of inheritance.
Early-onset myopathy with fatal cardiomyopathy (CMYO5). Also called: CONGENITAL MYOPATHY 5 WITH CARDIOMYOPATHY; Salih Myopathy. Identifiers: Orphanet 289377, MedGen C2673677, MONDO:0012714, OMIM 611705. Disease mechanism: loss of function.
Myopathy, myofibrillar, 9, with early respiratory failure (MFM9). Also called: Myopathy, distal, with early respiratory failure, autosomal dominant; Hereditary myopathy with early respiratory failure; MYOPATHY, PROXIMAL, WITH EARLY RESPIRATORY MUSCLE INVOLVEMENT; EDSTROM MYOPATHY. Identifiers: Orphanet 178464, Orphanet 34521, MedGen C1863599, MONDO:0011362, OMIM 603689.
Tibial muscular dystrophy (TMD). Also called: Udd Distal Myopathy – Tibial Muscular Dystrophy; Tibial muscular dystrophy, tardive; UDD MYOPATHY. Identifiers: Orphanet 609, MedGen C1838244, MONDO:0010870, OMIM 600334.

Allele frequency attached by ClinVar (database versions not stated): 1000 Genomes Project 0.01058; ESP Exome Variant Server 0.01058; TOPMed 0.01187; gnomAD 0.01013 and 0.01093; gnomAD exomes 0.00097 and 0.00252; ExAC 0.00308; 1000 Genomes Project 30x 0.00968.
gnomAD v4.1: 3,045 of 1,613,962 alleles (0.19%); highest among the groups gnomAD compares: African/African-American, 3.5%; 47 homozygotes.

Submissions (28):

Labcorp Genetics (formerly Invitae), Labcorp
Classification: Benign for Dilated cardiomyopathy 1G; Autosomal recessive limb-girdle muscular dystrophy type 2J. Last evaluated: 2026-02-03. Review status: criteria provided, single submitter. Criteria: Invitae Variant Classification Sherloc (09022015). Collection method: clinical testing. Allele origin: germline.

ARUP Laboratories, Molecular Genetics and Genomics, ARUP Laboratories
Classification: Benign. Last evaluated: 2025-06-25. Review status: criteria provided, single submitter. Criteria: ARUP Molecular Germline Variant Investigation Process 2024. Collection method: clinical testing. Allele origin: germline.

Molecular Diagnostic Laboratory for Inherited Cardiovascular Disease, Montreal Heart Institute
Classification: Likely benign. Last evaluated: 2025-04-09. Review status: criteria provided, single submitter. Criteria: ACMG Guidelines, 2015. Collection method: clinical testing. Allele origin: germline. Affected: no.

Blueprint Genetics
Classification: Benign. Last evaluated: 2024-11-01. Review status: criteria provided, single submitter. Criteria: ACMG Guidelines, 2015. Collection method: clinical testing. Allele origin: germline.

CHEO Genetics Diagnostic Laboratory, Children's Hospital of Eastern Ontario
Classification: Benign for Cardiomyopathy. Last evaluated: 2023-05-16. Review status: criteria provided, single submitter. Criteria: ACMG Guidelines, 2015. Collection method: clinical testing. Allele origin: germline. Study: Canadian Open Genetics Repository.

Genome-Nilou Lab
Classification: Benign for Autosomal recessive limb-girdle muscular dystrophy type 2J. Last evaluated: 2021-09-10. Review status: criteria provided, single submitter. Criteria: ACMG Guidelines, 2015. Collection method: clinical testing. Allele origin: germline. Affected: no.

Genome-Nilou Lab
Classification: Benign for Myopathy, myofibrillar, 9, with early respiratory failure. Last evaluated: 2021-09-10. Review status: criteria provided, single submitter. Criteria: ACMG Guidelines, 2015. Collection method: clinical testing. Allele origin: germline. Affected: no.

Genome-Nilou Lab
Classification: Benign for Early-onset myopathy with fatal cardiomyopathy. Last evaluated: 2021-09-10. Review status: criteria provided, single submitter. Criteria: ACMG Guidelines, 2015. Collection method: clinical testing. Allele origin: germline. Affected: no.

Genome-Nilou Lab
Classification: Benign for Tibial muscular dystrophy. Last evaluated: 2021-09-10. Review status: criteria provided, single submitter. Criteria: ACMG Guidelines, 2015. Collection method: clinical testing. Allele origin: germline. Affected: no.

Women's Health and Genetics/Laboratory Corporation of America, LabCorp
Classification: Likely benign. Last evaluated: 2020-02-01. Review status: criteria provided, single submitter. Criteria: LabCorp Variant Classification Summary - May 2015. Collection method: clinical testing. Allele origin: germline.

Athena Diagnostics
Classification: Benign. Last evaluated: 2019-05-09. Review status: criteria provided, single submitter. Criteria: Athena Diagnostics Criteria. Collection method: clinical testing. Allele origin: germline.

Mayo Clinic Laboratories, Mayo Clinic
Classification: Benign. Last evaluated: 2018-10-04. Review status: criteria provided, single submitter. Criteria: ACMG Guidelines, 2015. Collection method: clinical testing. Allele origin: germline. Observed: 19 variant alleles.

Illumina Laboratory Services, Illumina
Classification: Likely benign for Autosomal recessive limb-girdle muscular dystrophy type 2J. Last evaluated: 2017-04-27. Review status: criteria provided, single submitter. Criteria: ICSL Variant Classification Criteria 13 December 2019. Collection method: clinical testing. Allele origin: germline.
Comment: This variant was observed as part of a predisposition screen in an ostensibly healthy population. A literature search was performed for the gene, cDNA change, and amino acid change (where applicable). No publications were found based on this search. Allele frequency data from public databases allowed determination this variant is unlikely to cause disease. Therefore, this variant is classified as likely benign.

Illumina Laboratory Services, Illumina
Classification: Likely benign for Myopathy, myofibrillar, 9, with early respiratory failure. Last evaluated: 2017-04-27. Review status: criteria provided, single submitter. Criteria: ICSL Variant Classification Criteria 13 December 2019. Collection method: clinical testing. Allele origin: germline.
Comment: the same text as in the submission from Illumina Laboratory Services, Illumina above.

Illumina Laboratory Services, Illumina
Classification: Likely benign for Tibial muscular dystrophy. Last evaluated: 2017-04-27. Review status: criteria provided, single submitter. Criteria: ICSL Variant Classification Criteria 13 December 2019. Collection method: clinical testing. Allele origin: germline.
Comment: the same text as in the submission from Illumina Laboratory Services, Illumina above.

Illumina Laboratory Services, Illumina
Classification: Likely benign for Dilated cardiomyopathy 1G. Last evaluated: 2017-04-27. Review status: criteria provided, single submitter. Criteria: ICSL Variant Classification Criteria 13 December 2019. Collection method: clinical testing. Allele origin: germline.
Comment: the same text as in the submission from Illumina Laboratory Services, Illumina above.

Illumina Laboratory Services, Illumina
Classification: Likely benign for Early-onset myopathy with fatal cardiomyopathy. Last evaluated: 2017-04-27. Review status: criteria provided, single submitter. Criteria: ICSL Variant Classification Criteria 13 December 2019. Collection method: clinical testing. Allele origin: germline.
Comment: the same text as in the submission from Illumina Laboratory Services, Illumina above.

GeneDx
Classification: Benign. Last evaluated: 2014-03-21. Review status: criteria provided, single submitter. Criteria: GeneDx Variant Classification (06012015). Collection method: clinical testing. Allele origin: germline. Affected: yes.
Comment: This variant is considered likely benign or benign based on one or more of the following criteria: it is a conservative change, it occurs at a poorly conserved position in the protein, it is predicted to be benign by multiple in silico algorithms, and/or has population frequency not consistent with disease.

Biesecker Lab/Clinical Genomics Section, National Institutes of Health
Classification: Benign. Last evaluated: 2013-06-24. Review status: criteria provided, single submitter. Criteria: Ng et al. (Circ Cardiovasc Genet. 2013). Collection method: research. Allele origin: unknown. Observed: 1 variant allele. Study: ClinSeq.
Comment: The study set was not selected for affection status in relation to any cancer. Pathogenicity categories were based on literature curation. See Pubmed ID:23861362 for details.

Medical sequencing

Ambry Genetics
Classification: Benign for Cardiovascular phenotype. Last evaluated: 2013-01-24. Review status: criteria provided, single submitter. Criteria: Ambry Autosomal Dominant and X-Linked criteria (10/2015). Collection method: clinical testing. Allele origin: germline. Observed: 1 variant allele.

Laboratory for Molecular Medicine, Mass General Brigham Personalized Medicine
Classification: Benign. Last evaluated: 2012-08-14. Review status: criteria provided, single submitter. Criteria: LMM Criteria. Collection method: clinical testing. Allele origin: germline. Observed: 18 variant alleles.
Comment: Val32609Met in Exon 307 of TTN: This variant is not expected to have clinical si gnificance because it has been identified in 3.0% (101/3368) of African American chromosomes from a broad population by the NHLBI Exome Sequencing Project (dbSNP rs55865284).

Breakthrough Genomics
Classification: Likely benign. Review status: criteria provided, single submitter. Criteria: ACMG Guidelines, 2015. Collection method: not provided. Allele origin: germline. Inheritance: Autosomal recessive inheritance. Affected: yes.

PreventionGenetics, part of Exact Sciences
Classification: Benign. Review status: criteria provided, single submitter. Criteria: ACMG Guidelines, 2015. Collection method: clinical testing. Allele origin: germline.

Clinical Genetics DNA and cytogenetics Diagnostics Lab, Erasmus MC, Erasmus Medical Center
Classification: Benign. Review status: no assertion criteria provided. Collection method: clinical testing. Allele origin: germline. Affected: yes. Study: VKGL Data-share Consensus. Not counted in ClinVar's aggregate classification.

Clinical Genetics, Academic Medical Center
Classification: Benign. Review status: no assertion criteria provided. Collection method: clinical testing. Allele origin: germline. Affected: yes. Study: VKGL Data-share Consensus. Not counted in ClinVar's aggregate classification.

Diagnostic Laboratory, Department of Genetics, University Medical Center Groningen
Classification: Likely benign. Review status: no assertion criteria provided. Collection method: clinical testing. Allele origin: germline. Affected: yes. Study: VKGL Data-share Consensus. Not counted in ClinVar's aggregate classification.

Genetic Services Laboratory, University of Chicago
Classification: Likely benign for AllHighlyPenetrant. Review status: no assertion criteria provided. Collection method: clinical testing. Allele origin: germline. Not counted in ClinVar's aggregate classification.
Comment: Likely benign based on allele frequency in 1000 Genomes Project or ESP global frequency and its presence in a patient with a rare or unrelated disease phenotype. NOT Sanger confirmed.

Joint Genome Diagnostic Labs from Nijmegen and Maastricht, Radboudumc and MUMC+
Classification: Benign. Review status: no assertion criteria provided. Collection method: clinical testing. Allele origin: germline. Affected: yes. Study: VKGL Data-share Consensus. Not counted in ClinVar's aggregate classification.